The following is an entry in ClinVar:

NM_000426.4(LAMA2):c.2208+2T>C

Gene: LAMA2 (laminin subunit alpha 2; plus strand). Cytogenetic location: 6q22.33.
Variant type: single nucleotide variant.
Coding change: c.2208+2T>C on transcript NM_000426.4 (MANE Select); the canonical splice donor site of the intron after coding-DNA position 2208, T replaced by C.
Molecular consequence: splice donor variant.
Genome position (GRCh38, 1-based): chr6:129,260,824, T>C. VCF-style: chr6-129260824-T-C. GRCh37 (hg19) VCF-style: chr6-129581969-T-C.
Other names: c.2208+2T>C (NM_001079823.2).
Identifiers: ClinVar variation 4056343 (VCV004056343.1).
Genomic context (GRCh38, chr6:129,260,824, plus strand): 5'-TTGCAGCAGCTGTAGAAGTGTGTCAGTGCCCACCAGGGTATACTGGCTCCTCTTGTGAAG[T>C]AAGCTTGCAAGAATGTATCCTTAGTGCTTTCAAAGTTCCCTCAACATTGCTTTCAATAAC-3'

ClinVar aggregate classification (germline): Pathogenic (1 of 4 stars; one submission).

Conditions:
Merosin deficient congenital muscular dystrophy (MDC1A). Also called: Congenital merosin-deficient muscular dystrophy 1A; Congenital Muscular Dystrophy Type 1A (MDC1A). Identifiers: Orphanet 258, MedGen C1263858, MONDO:0011925, OMIM 607855.

gnomAD v4.1: 1 of 1,555,196 alleles (0.000064%); highest among the groups gnomAD compares: South Asian, 0.0011%; no homozygotes.

Submission:

Institute of Human Genetics, University of Leipzig Medical Center
Classification: Pathogenic for Merosin deficient congenital muscular dystrophy. Last evaluated: 2025-06-10. Review status: criteria provided, single submitter. Criteria: ACMG Guidelines, 2015. Collection method: clinical testing. Allele origin: unknown. Inheritance: Autosomal recessive inheritance. Affected: yes.
Comment: Criteria applied: PVS1,PM2